The following is an entry in ClinVar:

ClinVar aggregate classification (germline): Likely benign. Review status: reviewed by expert panel (3 of 4 stars). 5 submissions from 5 submitters: Likely benign (1). 4 of the submissions do not count toward it. Last evaluated 2024-08-27.

Conditions:
DICER1-related tumor predisposition. Also called: DICER1-related pleuropulmonary blastoma cancer predisposition syndrome; DICER1 syndrome. Identifiers: Orphanet 284343, MedGen C3839822, MONDO:0100216.
Hereditary cancer-predisposing syndrome. Also called: Hereditary neoplastic syndrome; Neoplastic Syndromes, Hereditary; Tumor predisposition; Hereditary Cancer Syndrome. Identifiers: Orphanet 140162, MedGen C0027672, MeSH D009386, MONDO:0015356.

Allele frequency attached by ClinVar (database versions not stated): gnomAD exomes below 0.00001 and 0.00001; TOPMed below 0.00001; ExAC 0.00002.
gnomAD v4.1: 5 of 1,608,526 alleles (0.00031%); highest among the groups gnomAD compares: Non-Finnish European, 0.00034%; no homozygotes.

Submissions (5):

ClinGen DICER1 and miRNA-Processing Gene Variant Curation Expert Panel, ClinGen
Classification: Likely benign for DICER1-related tumor predisposition. Last evaluated: 2024-08-27. Review status: reviewed by expert panel. Criteria: ClinGen DICER1 ACMG Specifications DICER1 V1.3.0. Collection method: curation. Allele origin: germline. Inheritance: Autosomal dominant inheritance.
Comment: The NM_177438.2:c.742T>A variant in DICER1 is a missense variant predicted to cause substitution of serine by threonine at amino acid 248 (p.Ser248Thr). This variant has been seen in 10 or more unrelated females without tumors through age 50 in at least one testing laboratory (BS2_Supporting; Internal lab contributors). The total allele frequency in gnomAD v4.0.0 is 0.000003433 (5/1456418 alleles) with a highest population minor allele frequency of 0.00001661 (1/60202 alleles) in a mixed population of unknown ancestry followed by 0.000003613 (4/1107216) in a European (non-Finnish) population (PM2_Supporting, BS1, and BA1 are not met). In silico tools predict no damaging impact of the variant on protein function (REVEL: 0.173; MaxEntScan and SpliceAI: no effect on splicing) (BP4). In summary, this variant meets the criteria to be classified as Likely Benign for DICER1-related tumor predisposition based on the ACMG/AMP criteria applied, as specified by the ClinGen DICER1 VCEP: BS2_Supporting, BP4. (Bayesian Points: -2; VCEP specifications version 1.3.0; 08/27/2024)

Labcorp Genetics (formerly Invitae), Labcorp
Classification: Uncertain significance for DICER1-related tumor predisposition. Last evaluated: 2025-07-17. Review status: criteria provided, single submitter. Criteria: Invitae Variant Classification Sherloc (09022015). Collection method: clinical testing. Allele origin: germline. Not counted in ClinVar's aggregate classification.
Comment: This sequence change replaces serine, which is neutral and polar, with threonine, which is neutral and polar, at codon 248 of the DICER1 protein (p.Ser248Thr). This variant is present in population databases (rs759633210, gnomAD 0.002%). This variant has not been reported in the literature in individuals affected with DICER1-related conditions. ClinVar contains an entry for this variant (Variation ID: 412066). Invitae Evidence Modeling of protein sequence and biophysical properties (such as structural, functional, and spatial information, amino acid conservation, physicochemical variation, residue mobility, and thermodynamic stability) indicates that this missense variant is not expected to disrupt DICER1 protein function with a negative predictive value of 95%. In summary, the available evidence is currently insufficient to determine the role of this variant in disease. Therefore, it has been classified as a Variant of Uncertain Significance.

Center for Genomic Medicine, Rigshospitalet, Copenhagen University Hospital
Classification: Likely benign. Last evaluated: 2025-03-04. Review status: criteria provided, single submitter. Criteria: ACMG Guidelines, 2015. Collection method: clinical testing. Allele origin: germline. Not counted in ClinVar's aggregate classification.

Ambry Genetics
Classification: Uncertain significance for Hereditary cancer-predisposing syndrome. Last evaluated: 2024-01-09. Review status: criteria provided, single submitter. Criteria: Ambry Variant Classification Scheme 2023. Collection method: clinical testing. Allele origin: germline. Not counted in ClinVar's aggregate classification.
Comment: The p.S248T variant (also known as c.742T>A), located in coding exon 6 of the DICER1 gene, results from a T to A substitution at nucleotide position 742. The serine at codon 248 is replaced by threonine, an amino acid with similar properties. This amino acid position is highly conserved in available vertebrate species. In addition, this alteration is predicted to be tolerated by in silico analysis. Since supporting evidence is limited at this time, the clinical significance of this alteration remains unclear.

Sema4
Classification: Uncertain significance for Hereditary cancer-predisposing syndrome. Last evaluated: 2021-10-08. Review status: criteria provided, single submitter. Criteria: Sema4 Curation Guidelines. Collection method: curation. Allele origin: germline. Not counted in ClinVar's aggregate classification.
Comment: The DICER1 c.742T>A (p.S248T) variant has not been reported in the literature to our knowledge. It was observed in 2/113662 chromosomes of the European (non-Finnish) subpopulation in the large and broad cohorts of the Genome Aggregation Database (PMID: 32461654), and has been reported in ClinVar (Variation ID 412066). Functional studies have not been performed, and in silico predictions of the variant's effect on protein function are inconclusive. The evidence is insufficient to meet ACMG/AMP criteria for classifying the variant as benign or pathogenic. Thus, the clinical significance of this variant is currently uncertain.

NM_177438.3(DICER1):c.742T>A (p.Ser248Thr)

Gene: DICER1 (dicer 1, ribonuclease III; minus strand). Cytogenetic location: 14q32.13.
Variant type: single nucleotide variant.
Coding change: c.742T>A on transcript NM_177438.3 (MANE Select); coding-DNA position 742, T replaced by A.
Protein change: p.Ser248Thr; replaces serine 248 with threonine.
Molecular consequence: missense variant.
Genome position (GRCh38, 1-based): chr14:95,126,741, A>T on the plus strand (T>A on the coding strand, the complement: DICER1 is on the minus strand). VCF-style: chr14-95126741-A-T. GRCh37 (hg19) VCF-style: chr14-95593078-A-T.
Other names: NM_177438.3(DICER1):c.742T>A; p.Ser248Thr; c.742T>A, p.Ser248Thr (NM_001195573.1, NM_001271282.3, NM_001291628.2 and 1 more transcripts); short protein forms S248T.
Identifiers: ClinVar variation 412066 (VCV000412066.15), dbSNP rs759633210, ClinGen allele CA7331572.
Genomic context (GRCh38, chr14:95,126,741, plus strand): 5'-CATAAAGCCCACTTCTGTCAGTAAATGGTCCACAATCCACCACAATCTCACATGGCTGAG[A>T]AGTATACCTTTAACATAAGAAACAAAAGGTATCAATACTGCAGTAGTGAGAATGCAATTT-3'
Protein context (NP_803187.1, residues 238-258): TDLVVLDRYT[Ser248Thr]QPCEIVVDCG